The following is an entry in ClinVar:

ClinVar aggregate classification (germline): Uncertain significance. Review status: criteria provided, multiple submitters, no conflicts (2 of 4 stars). 3 submissions from 3 submitters: Uncertain significance (3). Last evaluated 2026-06-01.

Conditions:
Cardiovascular phenotype. Identifiers: MedGen CN230736.
Hypertrophic cardiomyopathy 14. Identifiers: MedGen C2750467, MONDO:0013197, OMIM 613251.

Allele frequency attached by ClinVar (database versions not stated): gnomAD exomes below 0.00001.
gnomAD v4.1: 8 of 1,614,212 alleles (0.0005%); highest among the groups gnomAD compares: Non-Finnish European, 0.00068%; no homozygotes.

Submissions (3):

Ambry Genetics
Classification: Uncertain significance for Cardiovascular phenotype. Last evaluated: 2026-06-01. Review status: criteria provided, single submitter. Criteria: Ambry Variant Classification Scheme 2023. Collection method: clinical testing. Allele origin: germline.
Comment: The p.M6T variant (also known as c.17T>C), located in coding exon 1 of the MYH6 gene, results from a T to C substitution at nucleotide position 17. The methionine at codon 6 is replaced by threonine, an amino acid with similar properties. This amino acid position is conserved. In addition, the in silico prediction for this alteration is inconclusive. Based on the available evidence, the clinical significance of this variant remains unclear.

Blueprint Genetics
Classification: Uncertain significance. Last evaluated: 2024-04-05. Review status: criteria provided, single submitter. Criteria: ACMG Guidelines, 2015. Collection method: clinical testing. Allele origin: germline.

Labcorp Genetics (formerly Invitae), Labcorp
Classification: Uncertain significance for Hypertrophic cardiomyopathy 14. Last evaluated: 2019-12-19. Review status: criteria provided, single submitter. Criteria: Invitae Variant Classification Sherloc (09022015). Collection method: clinical testing. Allele origin: germline.
Comment: In summary, the available evidence is currently insufficient to determine the role of this variant in disease. Therefore, it has been classified as a Variant of Uncertain Significance. Algorithms developed to predict the effect of missense changes on protein structure and function (SIFT, PolyPhen-2, Align-GVGD) all suggest that this variant is likely to be tolerated, but these predictions have not been confirmed by published functional studies and their clinical significance is uncertain. This variant has not been reported in the literature in individuals with MYH6-related conditions. This variant is not present in population databases (ExAC no frequency). This sequence change replaces methionine with threonine at codon 6 of the MYH6 protein (p.Met6Thr). The methionine residue is weakly conserved and there is a moderate physicochemical difference between methionine and threonine.

NM_002471.4(MYH6):c.17T>C (p.Met6Thr)

Genes: MYH6 (myosin heavy chain 6; minus strand), LOC114827851 (VISTA enhancer hs2155; plus strand). Cytogenetic location: 14q11.2.
Variant type: single nucleotide variant.
Coding change: c.17T>C on transcript NM_002471.4 (MANE Select); coding-DNA position 17, T replaced by C.
Protein change: p.Met6Thr; replaces methionine 6 with threonine.
Molecular consequence: missense variant.
Genome position (GRCh38, 1-based): chr14:23,407,207, A>G on the plus strand (T>C on the coding strand, the complement: MYH6 is on the minus strand). VCF-style: chr14-23407207-A-G. GRCh37 (hg19) VCF-style: chr14-23876416-A-G.
Other names: short protein forms M6T.
Identifiers: ClinVar variation 843606 (VCV000843606.11), dbSNP rs1270444359, ClinGen allele CA389032246.